The following is an entry in ClinVar:

NM_015425.6(POLR1A):c.2192C>T (p.Ser731Leu)

Gene: POLR1A (RNA polymerase I subunit A; minus strand). Cytogenetic location: 2p11.2.
Variant type: single nucleotide variant.
Coding change: c.2192C>T on transcript NM_015425.6 (MANE Select); coding-DNA position 2192, C replaced by T.
Protein change: p.Ser731Leu; replaces serine 731 with leucine.
Molecular consequence: missense variant.
Genome position (GRCh38, 1-based): chr2:86,054,156, G>A on the plus strand (C>T on the coding strand, the complement: POLR1A is on the minus strand). VCF-style: chr2-86054156-G-A. GRCh37 (hg19) VCF-style: chr2-86281279-G-A.
Other names: c.2192C>T (NM_015425.3); short protein forms S731L.
Identifiers: ClinVar variation 1484663 (VCV001484663.7), dbSNP rs375013405, ClinGen allele CA1746155.

ClinVar aggregate classification (germline): Uncertain significance. Review status: criteria provided, multiple submitters, no conflicts (2 of 4 stars). 2 submissions from 2 submitters: Uncertain significance (2). Last evaluated 2025-02-19.

Conditions:
Inborn genetic diseases. Identifiers: MedGen C0950123, MeSH D030342.

Allele frequency attached by ClinVar (database versions not stated): gnomAD 0.00002 and 0.00003; ExAC 0.00003; gnomAD exomes 0.00003; TOPMed 0.00003; 1000 Genomes Project 30x 0.00016; 1000 Genomes Project 0.00020.
gnomAD v4.1: 50 of 1,613,966 alleles (0.0031%); highest among the groups gnomAD compares: African/African-American, 0.011%; no homozygotes.

Submissions (2):

Ambry Genetics
Classification: Uncertain significance for Inborn genetic diseases. Last evaluated: 2025-02-19. Review status: criteria provided, single submitter. Criteria: Ambry Variant Classification Scheme 2023. Collection method: clinical testing. Allele origin: germline.

Labcorp Genetics (formerly Invitae), Labcorp
Classification: Uncertain significance. Last evaluated: 2024-04-25. Review status: criteria provided, single submitter. Criteria: Invitae Variant Classification Sherloc (09022015). Collection method: clinical testing. Allele origin: germline.
Comment: This sequence change replaces serine, which is neutral and polar, with leucine, which is neutral and non-polar, at codon 731 of the POLR1A protein (p.Ser731Leu). This variant is present in population databases (rs375013405, gnomAD 0.007%). This variant has not been reported in the literature in individuals affected with POLR1A-related conditions. ClinVar contains an entry for this variant (Variation ID: 1484663). Advanced modeling of protein sequence and biophysical properties (such as structural, functional, and spatial information, amino acid conservation, physicochemical variation, residue mobility, and thermodynamic stability) performed at Invitae indicates that this missense variant is not expected to disrupt POLR1A protein function with a negative predictive value of 80%. In summary, the available evidence is currently insufficient to determine the role of this variant in disease. Therefore, it has been classified as a Variant of Uncertain Significance.